The following is an entry in ClinVar:

ClinVar aggregate classification (germline): Uncertain significance (1 of 4 stars; one submission).

Submission:

Labcorp Genetics (formerly Invitae), Labcorp
Classification: Uncertain significance. Last evaluated: 2025-10-29. Review status: criteria provided, single submitter. Criteria: Invitae Variant Classification Sherloc (09022015). Collection method: clinical testing. Allele origin: germline.
Comment: This variant, c.2356_2357insGAC, results in the insertion of 1 amino acid(s) of the MKL1 protein (p.Ser785_Pro786insArg), but otherwise preserves the integrity of the reading frame. This variant is not present in population databases (gnomAD no frequency). This variant has not been reported in the literature in individuals affected with MKL1-related conditions. In summary, the available evidence is currently insufficient to determine the role of this variant in disease. Therefore, it has been classified as a Variant of Uncertain Significance.

NM_020831.6(MRTFA):c.2656_2657insGAC (p.Ser885_Pro886insArg)

Gene: MRTFA (myocardin related transcription factor A; minus strand). Cytogenetic location: 22q13.1.
Variant type: Insertion.
Coding change: c.2656_2657insGAC on transcript NM_020831.6 (MANE Select); coding-DNA positions 2656 to 2657, GAC inserted.
Protein change: p.Ser885_Pro886insArg.
Molecular consequence: inframe insertion.
Genome position: GRCh38 VCF-style: chr22-40411829-G-GGTC. GRCh37 (hg19) VCF-style: chr22-40807833-G-GGTC.
Other names: c.2356_2357insGAC, p.Ser785_Pro786insArg (NM_001282660.2); c.2506_2507insGAC, p.Ser835_Pro836insArg (NM_001282661.3); c.2666_2667insGAC, p.Pro889_Pro890insThr (NM_001282662.3); c.2461_2462insGAC, p.Ser820_Pro821insArg (NM_001318139.2).
Identifiers: ClinVar variation 4729762 (VCV004729762.1).